The following is an entry in ClinVar:

ClinVar aggregate classification (germline): Benign. Review status: criteria provided, single submitter (1 of 4 stars). 2 submissions from 2 submitters: Benign (1). 1 of the submissions does not count toward it. Last evaluated 2025-04-27.

Conditions:
KRT6A-related disorder. Also called: KRT6A-related condition.

Submissions (2):

Labcorp Genetics (formerly Invitae), Labcorp
Classification: Benign. Last evaluated: 2025-04-27. Review status: criteria provided, single submitter. Criteria: Invitae Variant Classification Sherloc (09022015). Collection method: clinical testing. Allele origin: germline.

PreventionGenetics, part of Exact Sciences
Classification: Likely benign for KRT6A-related condition. Last evaluated: 2024-07-10. Review status: no assertion criteria provided. Collection method: clinical testing. Allele origin: germline. Not counted in ClinVar's aggregate classification.
Comment: This variant is classified as likely benign based on ACMG/AMP sequence variant interpretation guidelines (Richards et al. 2015 PMID: 25741868, with internal and published modifications).

NM_005554.4(KRT6A):c.1222G>T (p.Ala408Ser)

Gene: KRT6A (keratin 6A; minus strand). Cytogenetic location: 12q13.13.
Variant type: single nucleotide variant.
Coding change: c.1222G>T on transcript NM_005554.4 (MANE Select); coding-DNA position 1222, G replaced by T.
Protein change: p.Ala408Ser; replaces alanine 408 with serine.
Molecular consequence: missense variant.
Genome position (GRCh38, 1-based): chr12:52,488,530, C>A on the plus strand (G>T on the coding strand, the complement: KRT6A is on the minus strand). VCF-style: chr12-52488530-C-A. GRCh37 (hg19) VCF-style: chr12-52882314-C-A.
Other names: short protein forms A408S.
Identifiers: ClinVar variation 3352611 (VCV003352611.2).
Genomic context (GRCh38, chr12:52,488,530, plus strand): 5'-CCAGCTTGTTCTTGGCATCCTTGAGGGCCATCTCCCCACGCTGCTCAGCATCAGCAATGG[C>A]GGCCTGCAGGTTGGCGCACTGGAAGAGGAAAGGAATAGAAGAAACTTGTCATCCGGTCTT-3'
Protein context (NP_005545.1, residues 398-418): VKKQCANLQA[Ala408Ser]IADAEQRGEM